The following is an entry in ClinVar:

ClinVar aggregate classification (germline): Pathogenic (1 of 4 stars; one submission).

Submission:

Labcorp Genetics (formerly Invitae), Labcorp
Classification: Pathogenic. Last evaluated: 2024-08-21. Review status: criteria provided, single submitter. Criteria: Invitae Variant Classification Sherloc (09022015). Collection method: clinical testing. Allele origin: germline.
Comment: This sequence change creates a premature translational stop signal (p.Asn188Lysfs*12) in the DNAJC21 gene. It is expected to result in an absent or disrupted protein product. Loss-of-function variants in DNAJC21 are known to be pathogenic (PMID: 27346687, 28062395). This variant is present in population databases (rs761444667, gnomAD 0.007%). This variant has not been reported in the literature in individuals affected with DNAJC21-related conditions. For these reasons, this variant has been classified as Pathogenic.

Literature cited by the submitters: PubMed 27346687; PubMed 28062395.

NM_001012339.3(DNAJC21):c.564_568del (p.Asn188fs)

Gene: DNAJC21 (DnaJ heat shock protein family (Hsp40) member C21; plus strand). Cytogenetic location: 5p13.2.
Variant type: Deletion.
Coding change: c.564_568del on transcript NM_001012339.3 (MANE Select); coding-DNA positions 564 to 568, 5 bases deleted (CAAAA; older notation c.564_568delCAAAA).
Protein change: p.Asn188fs; shifts the reading frame from asparagine 188.
Molecular consequence: frameshift variant.
Genome position (GRCh38, 1-based): chr5:34,937,451-34,937,455, CAAAA deleted; deleting any 5 consecutive bases within chr5:34,937,447-34,937,455 gives the same sequence; the c. name uses the placement nearest the transcript's 3' end. VCF-style (leftmost placement, unchanged base first): chr5-34937446-GAAAAC-G. GRCh37 (hg19) VCF-style: chr5-34937551-GAAAAC-G.
Other names: c.564_568del, p.Asn188fs (NM_001348420.2, NM_194283.4); short protein forms N188fs.
Identifiers: ClinVar variation 3645245 (VCV003645245.2).
Genomic context (GRCh38, chr5:34,937,446, plus strand): 5'-AAGGAAGAATATGATACACGACAGGCTTCAAACCGCTGGGAAAAACGAGCCATGGAAAAA[GAAAAC>G]AAAAAGATTCGGGACAAAGCAAGGAAAGAGAAGAATGAGCTTGTCCGTCAGCTGGTAGCT-3'